The following is an entry in ClinVar:

ClinVar aggregate classification (germline): Uncertain significance (1 of 4 stars; one submission).

Allele frequency attached by ClinVar (database versions not stated): gnomAD exomes below 0.00001.
gnomAD v4.1: 4 of 1,612,718 alleles (0.00025%); highest among the groups gnomAD compares: South Asian, 0.0011%; no homozygotes.

Submission:

GeneDx
Classification: Uncertain significance. Last evaluated: 2022-12-03. Review status: criteria provided, single submitter. Criteria: GeneDx Variant Classification Process June 2021. Collection method: clinical testing. Allele origin: germline. Affected: yes.
Comment: Not observed at significant frequency in large population cohorts (gnomAD); In silico analysis supports that this missense variant has a deleterious effect on protein structure/function; Has not been previously published as pathogenic or benign to our knowledge

NM_014915.3(ANKRD26):c.1519C>G (p.Pro507Ala)

Gene: ANKRD26 (ankyrin repeat domain containing 26; minus strand). Cytogenetic location: 10p12.1.
Variant type: single nucleotide variant.
Coding change: c.1519C>G on transcript NM_014915.3 (MANE Select); coding-DNA position 1519, C replaced by G.
Protein change: p.Pro507Ala; replaces proline 507 with alanine.
Molecular consequence: missense variant.
Genome position (GRCh38, 1-based): chr10:27,060,390, G>C on the plus strand (C>G on the coding strand, the complement: ANKRD26 is on the minus strand). VCF-style: chr10-27060390-G-C. GRCh37 (hg19) VCF-style: chr10-27349319-G-C.
Other names: c.1519C>G, p.Pro507Ala (NM_001256053.2); short protein forms P507A.
Identifiers: ClinVar variation 2504237 (VCV002504237.1), dbSNP rs1417821030, ClinGen allele CA376357155.